The following is an entry in ClinVar:

ClinVar aggregate classification (germline): Uncertain significance (1 of 4 stars; one submission).

Conditions:
Epilepsy, familial adult myoclonic, 5 (EPEO5). Also called: CORTICAL MYOCLONIC TREMOR WITH EPILEPSY, FAMILIAL, 5. Identifiers: Orphanet 86814, MedGen C3809374, MONDO:0014167, OMIM 615400.

Submission:

Labcorp Genetics (formerly Invitae), Labcorp
Classification: Uncertain significance for Epilepsy, familial adult myoclonic, 5. Last evaluated: 2025-09-24. Review status: criteria provided, single submitter. Criteria: Invitae Variant Classification Sherloc (09022015). Collection method: clinical testing. Allele origin: germline.
Comment: This sequence change replaces proline, which is neutral and non-polar, with alanine, which is neutral and non-polar, at codon 442 of the CNTN2 protein (p.Pro442Ala). This variant is not present in population databases (gnomAD no frequency). This variant has not been reported in the literature in individuals affected with CNTN2-related conditions. Invitae Evidence Modeling of protein sequence and biophysical properties (such as structural, functional, and spatial information, amino acid conservation, physicochemical variation, residue mobility, and thermodynamic stability) indicates that this missense variant is not expected to disrupt CNTN2 protein function with a negative predictive value of 95%. In summary, the available evidence is currently insufficient to determine the role of this variant in disease. Therefore, it has been classified as a Variant of Uncertain Significance.

NM_005076.5(CNTN2):c.1324C>G (p.Pro442Ala)

Gene: CNTN2 (contactin 2; plus strand). Cytogenetic location: 1q32.1.
Variant type: single nucleotide variant.
Coding change: c.1324C>G on transcript NM_005076.5 (MANE Select); coding-DNA position 1324, C replaced by G.
Protein change: p.Pro442Ala; replaces proline 442 with alanine.
Molecular consequence: missense variant. On other transcripts: non-coding transcript variant (1).
Genome position (GRCh38, 1-based): chr1:205,064,405, C>G. VCF-style: chr1-205064405-C-G. GRCh37 (hg19) VCF-style: chr1-205033533-C-G.
Other names: c.1324C>G, p.Pro442Ala (NM_001346083.2); short protein forms P442A.
Identifiers: ClinVar variation 4749964 (VCV004749964.1).